The following is an entry in ClinVar:

NM_000059.4(BRCA2):c.1317T>G (p.Phe439Leu)

Gene: BRCA2 (BRCA2 DNA repair associated; plus strand). Cytogenetic location: 13q13.1.
Variant type: single nucleotide variant.
Coding change: c.1317T>G on transcript NM_000059.4 (MANE Select); coding-DNA position 1317, T replaced by G.
Protein change: p.Phe439Leu; replaces phenylalanine 439 with leucine.
Molecular consequence: missense variant.
Genome position (GRCh38, 1-based): chr13:32,332,795, T>G. VCF-style: chr13-32332795-T-G. GRCh37 (hg19) VCF-style: chr13-32906932-T-G.
Other names: short protein forms F439L.
Identifiers: ClinVar variation 438952 (VCV000438952.12), dbSNP rs1555281834, ClinGen allele CA387762641.

ClinVar aggregate classification (germline): Conflicting classifications of pathogenicity. Review status: criteria provided, conflicting classifications (1 of 4 stars). 4 submissions from 4 submitters: Uncertain significance (3); Likely benign (1). Last evaluated 2023-10-22.

Conditions:
Hereditary cancer-predisposing syndrome. Also called: Hereditary neoplastic syndrome; Hereditary Cancer Syndrome; Tumor predisposition; Neoplastic Syndromes, Hereditary. Identifiers: Orphanet 140162, MedGen C0027672, MeSH D009386, MONDO:0015356.
Hereditary breast ovarian cancer syndrome. Also called: Breast and ovarian cancer; Hereditary breast and ovarian cancer; BRCA1- and BRCA2-Associated Hereditary Breast and Ovarian Cancer; Hereditary breast and/or ovarian cancer syndrome; Hereditary breast and ovarian cancer syndrome; Hereditary breast and ovarian cancer syndrome (HBOC). Identifiers: Orphanet 145, MedGen C0677776, MeSH D061325, MONDO:0003582. Disease mechanism: loss of function.

Submissions (4):

Labcorp Genetics (formerly Invitae), Labcorp
Classification: Uncertain significance for Hereditary breast ovarian cancer syndrome. Last evaluated: 2023-10-22. Review status: criteria provided, single submitter. Criteria: Invitae Variant Classification Sherloc (09022015). Collection method: clinical testing. Allele origin: germline.
Comment: This sequence change replaces phenylalanine, which is neutral and non-polar, with leucine, which is neutral and non-polar, at codon 439 of the BRCA2 protein (p.Phe439Leu). This variant is not present in population databases (gnomAD no frequency). This variant has not been reported in the literature in individuals affected with BRCA2-related conditions. ClinVar contains an entry for this variant (Variation ID: 438952). Advanced modeling of protein sequence and biophysical properties (such as structural, functional, and spatial information, amino acid conservation, physicochemical variation, residue mobility, and thermodynamic stability) performed at Invitae indicates that this missense variant is not expected to disrupt BRCA2 protein function. In summary, the available evidence is currently insufficient to determine the role of this variant in disease. Therefore, it has been classified as a Variant of Uncertain Significance.

University of Washington Department of Laboratory Medicine, University of Washington
Classification: Likely benign for Hereditary cancer-predisposing syndrome. Last evaluated: 2023-03-23. Review status: criteria provided, single submitter. Criteria: Dines et al. (Genet Med. 2020). Collection method: curation. Allele origin: germline.
Comment: Missense variant in a coldspot region where missense variants are very unlikely to be pathogenic (PMID:31911673).

BRCA2 exon 10 coldspot. Reclassification based on statistical prior probability.

Women's Health and Genetics/Laboratory Corporation of America, LabCorp
Classification: Uncertain significance. Last evaluated: 2023-02-13. Review status: criteria provided, single submitter. Criteria: LabCorp Variant Classification Summary - May 2015. Collection method: clinical testing. Allele origin: germline.

Quest Diagnostics Nichols Institute San Juan Capistrano
Classification: Uncertain significance. Last evaluated: 2016-11-22. Review status: criteria provided, single submitter. Criteria: Quest Diagnostics criteria. Collection method: clinical testing. Allele origin: germline.